The following is an entry in ClinVar:

ClinVar aggregate classification (germline): Conflicting classifications of pathogenicity. Review status: criteria provided, conflicting classifications (1 of 4 stars). 7 submissions from 7 submitters: Uncertain significance (6); Likely benign (1). Last evaluated 2026-01-22.

Conditions:
Hereditary cancer-predisposing syndrome. Also called: Hereditary Cancer Syndrome; Neoplastic Syndromes, Hereditary; Tumor predisposition; Hereditary neoplastic syndrome. Identifiers: Orphanet 140162, MedGen C0027672, MeSH D009386, MONDO:0015356.
Hereditary breast ovarian cancer syndrome. Also called: Hereditary breast and ovarian cancer syndrome; Hereditary breast and ovarian cancer syndrome (HBOC); Hereditary breast and ovarian cancer; Hereditary breast and/or ovarian cancer syndrome; Breast and ovarian cancer; BRCA1- and BRCA2-Associated Hereditary Breast and Ovarian Cancer. Identifiers: Orphanet 145, MedGen C0677776, MeSH D061325, MONDO:0003582. Disease mechanism: loss of function.
Breast-ovarian cancer, familial, susceptibility to, 2 (BROVCA2). Also called: BRCA2 Hereditary Breast and Ovarian Cancer. Identifiers: Orphanet 145, MedGen C2675520, MONDO:0012933, OMIM 612555. Disease mechanism: loss of function.

Allele frequency attached by ClinVar (database versions not stated): TOPMed below 0.00001; gnomAD 0.00001.
gnomAD v4.1: 2 of 1,612,782 alleles (0.00012%); highest among the groups gnomAD compares: Admixed American, 0.0017%; no homozygotes.

Submissions (7):

Labcorp Genetics (formerly Invitae), Labcorp
Classification: Uncertain significance for Hereditary breast ovarian cancer syndrome. Last evaluated: 2026-01-22. Review status: criteria provided, single submitter. Criteria: Invitae Variant Classification Sherloc (09022015). Collection method: clinical testing. Allele origin: germline.
Comment: This sequence change replaces leucine, which is neutral and non-polar, with serine, which is neutral and polar, at codon 366 of the BRCA2 protein (p.Leu366Ser). This variant is present in population databases (no rsID available, gnomAD 0.01%). This variant has not been reported in the literature in individuals affected with BRCA2-related conditions. ClinVar contains an entry for this variant (Variation ID: 630479). Invitae Evidence Modeling of protein sequence and biophysical properties (such as structural, functional, and spatial information, amino acid conservation, physicochemical variation, residue mobility, and thermodynamic stability) indicates that this missense variant is not expected to disrupt BRCA2 protein function with a negative predictive value of 95%. In summary, the available evidence is currently insufficient to determine the role of this variant in disease. Therefore, it has been classified as a Variant of Uncertain Significance.

Ambry Genetics
Classification: Uncertain significance for Hereditary cancer-predisposing syndrome. Last evaluated: 2024-04-16. Review status: criteria provided, single submitter. Criteria: Ambry Variant Classification Scheme 2023. Collection method: clinical testing. Allele origin: germline.
Comment: The p.L366S variant (also known as c.1097T>C), located in coding exon 9 of the BRCA2 gene, results from a T to C substitution at nucleotide position 1097. The leucine at codon 366 is replaced by serine, an amino acid with dissimilar properties. This amino acid position is well conserved in available vertebrate species. In addition, this alteration is predicted to be tolerated by in silico analysis. Based on the available evidence, the clinical significance of this variant remains unclear.

All of Us Research Program, National Institutes of Health
Classification: Uncertain significance for Breast-ovarian cancer, familial, susceptibility to, 2. Last evaluated: 2023-08-23. Review status: criteria provided, single submitter. Criteria: ACMG Guidelines, 2015. Collection method: clinical testing. Allele origin: germline. Inheritance: Autosomal dominant inheritance. Observed: 1 variant allele, 1 heterozygote.
Comment: This missense variant replaces leucine with serine at codon 366 of the BRCA2 protein. Computational prediction suggests that this variant may not impact protein structure and function (internally defined REVEL score threshold <= 0.5, PMID: 27666373). To our knowledge, functional studies have not been reported for this variant. This variant has not been reported in individuals affected with BRCA2-related disorders in the literature, but has been reported in an unaffected individual (PMID: 33471991; Leiden Open Variation Database DB-ID BRCA2_007786). This variant has been identified in 1/31394 chromosomes in the general population by the Genome Aggregation Database (gnomAD). The available evidence is insufficient to determine the role of this variant in disease conclusively. Therefore, this variant is classified as a Variant of Uncertain Significance.

This study involves interpretation of variants in research participants for the purpose of population health screening. Participant phenotype was not available at the time of variant classification. Additional details can be found in publication PMID: 35346344, PMCID: PMC8962531

Color Diagnostics, LLC DBA Color Health
Classification: Uncertain significance for Hereditary cancer-predisposing syndrome. Last evaluated: 2023-08-14. Review status: criteria provided, single submitter. Criteria: ACMG Guidelines, 2015. Collection method: clinical testing. Allele origin: germline.
Comment: This missense variant replaces leucine with serine at codon 366 of the BRCA2 protein. Computational prediction suggests that this variant may not impact protein structure and function (internally defined REVEL score threshold <= 0.5, PMID: 27666373). To our knowledge, functional studies have not been reported for this variant. This variant has not been reported in individuals affected with BRCA2-related disorders in the literature, but has been reported in an unaffected individual (PMID: 33471991; Leiden Open Variation Database DB-ID BRCA2_007786). This variant has been identified in 1/31394 chromosomes in the general population by the Genome Aggregation Database (gnomAD). The available evidence is insufficient to determine the role of this variant in disease conclusively. Therefore, this variant is classified as a Variant of Uncertain Significance.

University of Washington Department of Laboratory Medicine, University of Washington
Classification: Likely benign for Hereditary cancer-predisposing syndrome. Last evaluated: 2023-03-23. Review status: criteria provided, single submitter. Criteria: Dines et al. (Genet Med. 2020). Collection method: curation. Allele origin: germline.
Comment: Missense variant in a coldspot region where missense variants are very unlikely to be pathogenic (PMID:31911673).

BRCA2 exon 10 coldspot. Reclassification based on statistical prior probability.

Women's Health and Genetics/Laboratory Corporation of America, LabCorp
Classification: Uncertain significance. Last evaluated: 2022-05-05. Review status: criteria provided, single submitter. Criteria: LabCorp Variant Classification Summary - May 2015. Collection method: clinical testing. Allele origin: germline.

Quest Diagnostics Nichols Institute San Juan Capistrano
Classification: Uncertain significance. Last evaluated: 2021-08-12. Review status: criteria provided, single submitter. Criteria: Quest Diagnostics criteria. Collection method: clinical testing. Allele origin: unknown.
Comment: The frequency of this variant in the general population, 0.000032 (1/31394 chromosomes), is uninformative in assessment of its pathogenicity. In a large-scale breast cancer association study, the variant was observed in an unaffected individual (PMID: 33471991 (2021), ). Analysis of this variant using bioinformatics tools for the prediction of the effect of amino acid changes on protein structure and function yielded predictions that this variant is benign. Based on the available information, we are unable to determine the clinical significance of this variant.

Literature cited by the submitters: PubMed 33471991 (cited by 3 submitters).

NM_000059.4(BRCA2):c.1097T>C (p.Leu366Ser)

Gene: BRCA2 (BRCA2 DNA repair associated; plus strand). Cytogenetic location: 13q13.1.
Variant type: single nucleotide variant.
Coding change: c.1097T>C on transcript NM_000059.4 (MANE Select); coding-DNA position 1097, T replaced by C.
Protein change: p.Leu366Ser; replaces leucine 366 with serine.
Molecular consequence: missense variant.
Genome position (GRCh38, 1-based): chr13:32,332,575, T>C. VCF-style: chr13-32332575-T-C. GRCh37 (hg19) VCF-style: chr13-32906712-T-C.
Other names: short protein forms L366S.
Identifiers: ClinVar variation 630479 (VCV000630479.23), dbSNP rs886040345, ClinGen allele CA387761536.
Genomic context (GRCh38, chr13:32,332,575, plus strand): 5'-ACCAAGTGAAAGAAAAATACTCATTTGTATCTGAAGTGGAACCAAATGATACTGATCCAT[T>C]AGATTCAAATGTAGCAAATCAGAAGCCCTTTGAGAGTGGAAGTGACAAAATCTCCAAGGA-3'
Protein context (NP_000050.3, residues 356-376): SEVEPNDTDP[Leu366Ser]DSNVANQKPF